The following is an entry in ClinVar:

ClinVar aggregate classification (germline): Uncertain significance (1 of 4 stars; one submission).

gnomAD v4.1: 37 of 1,613,210 alleles (0.0023%); highest among the groups gnomAD compares: Middle Eastern, 0.016%; no homozygotes.

Submission:

GeneDx
Classification: Uncertain significance. Last evaluated: 2024-05-02. Review status: criteria provided, single submitter. Criteria: GeneDx Variant Classification Process June 2021. Collection method: clinical testing. Allele origin: germline. Affected: yes.
Comment: Not observed at significant frequency in large population cohorts (gnomAD); Missense variant in a gene in which most reported pathogenic variants are truncating/loss of function; Has not been previously published as pathogenic or benign to our knowledge

NM_001267550.2(TTN):c.25600G>A (p.Ala8534Thr)

Gene: TTN (titin; minus strand). Cytogenetic location: 2q31.2.
Variant type: single nucleotide variant.
Coding change: c.25600G>A on transcript NM_001267550.2 (MANE Select); coding-DNA position 25600, G replaced by A.
Protein change: p.Ala8534Thr; replaces alanine 8534 with threonine.
Molecular consequence: missense variant. On other transcripts: intron variant (3).
Genome position (GRCh38, 1-based): chr2:178,717,134, C>T on the plus strand (G>A on the coding strand, the complement: TTN is on the minus strand). VCF-style: chr2-178717134-C-T. GRCh37 (hg19) VCF-style: chr2-179581861-C-T.
Other names: c.24649G>A, p.Ala8217Thr (NM_001256850.1); c.21868G>A, p.Ala7290Thr (NM_133378.4); c.13282+20948G>A (NM_003319.4); c.13858+20948G>A (NM_133437.4); c.13657+20948G>A (NM_133432.3); c.25600G>A (NM_001267550.1); short protein forms A8217T, A8534T, A7290T.
Identifiers: ClinVar variation 514280 (VCV000514280.2), dbSNP rs779163897, ClinGen allele CA60969930.